The following is an entry in ClinVar:

NM_001039591.3(USP9X):c.4372C>T (p.Leu1458Phe)

Gene: USP9X (ubiquitin specific peptidase 9 X-linked; plus strand). Cytogenetic location: Xp11.4.
Variant type: single nucleotide variant.
Coding change: c.4372C>T on transcript NM_001039591.3 (MANE Select); coding-DNA position 4372, C replaced by T.
Protein change: p.Leu1458Phe; replaces leucine 1458 with phenylalanine.
Molecular consequence: missense variant.
Genome position (GRCh38, 1-based): chrX:41,197,502, C>T. VCF-style: chrX-41197502-C-T. GRCh37 (hg19) VCF-style: chrX-41056755-C-T.
Other names: c.4372C>T, p.Leu1458Phe (NM_001039590.3); c.4387C>T, p.Leu1463Phe (NM_001410748.1, NM_001410749.1); short protein forms L1458F, L1463F.
Identifiers: ClinVar variation 1939667 (VCV001939667.5), dbSNP rs2519312334, ClinGen allele CA412774101.

ClinVar aggregate classification (germline): Uncertain significance (1 of 4 stars; one submission).

Submission:

Labcorp Genetics (formerly Invitae), Labcorp
Classification: Uncertain significance. Last evaluated: 2022-08-16. Review status: criteria provided, single submitter. Criteria: Invitae Variant Classification Sherloc (09022015). Collection method: clinical testing. Allele origin: germline.
Comment: This sequence change replaces leucine, which is neutral and non-polar, with phenylalanine, which is neutral and non-polar, at codon 1458 of the USP9X protein (p.Leu1458Phe). This variant is not present in population databases (gnomAD no frequency). This variant has not been reported in the literature in individuals affected with USP9X-related conditions. Algorithms developed to predict the effect of missense changes on protein structure and function are either unavailable or do not agree on the potential impact of this missense change (SIFT: "Deleterious"; PolyPhen-2: "Probably Damaging"; Align-GVGD: "Class C0"). In summary, the available evidence is currently insufficient to determine the role of this variant in disease. Therefore, it has been classified as a Variant of Uncertain Significance.